The following is an entry in ClinVar:

NM_004370.6(COL12A1):c.1102C>T (p.Leu368Phe)

Gene: COL12A1 (collagen type XII alpha 1 chain; minus strand). Cytogenetic location: 6q13.
Variant type: single nucleotide variant.
Coding change: c.1102C>T on transcript NM_004370.6 (MANE Select); coding-DNA position 1102, C replaced by T.
Protein change: p.Leu368Phe; replaces leucine 368 with phenylalanine.
Molecular consequence: missense variant. On other transcripts: intron variant (2).
Genome position (GRCh38, 1-based): chr6:75,184,040, G>A on the plus strand (C>T on the coding strand, the complement: COL12A1 is on the minus strand). VCF-style: chr6-75184040-G-A. GRCh37 (hg19) VCF-style: chr6-75893756-G-A.
Other names: c.1102C>T, p.Leu368Phe (NM_001424113.1, NM_001424114.1, NM_001424115.1); c.73+18680C>T (NM_001424116.1, NM_080645.3); short protein forms L368F.
Identifiers: ClinVar variation 2928013 (VCV002928013.3), dbSNP rs774361449, ClinGen allele CA3894267.

ClinVar aggregate classification (germline): Uncertain significance (1 of 4 stars; one submission).

Conditions:
Ullrich congenital muscular dystrophy 2 (UCMD2). Identifiers: Orphanet 75840, MedGen C4225314, MONDO:0014654, OMIM 616470.
Bethlem myopathy 2 (BTHLM2). Identifiers: Orphanet 536516, Orphanet 610, MedGen C4225313, MONDO:0034022, OMIM 616471.

Allele frequency attached by ClinVar (database versions not stated): gnomAD exomes below 0.00001; ExAC 0.00001.

Submission:

Labcorp Genetics (formerly Invitae), Labcorp
Classification: Uncertain significance for Bethlem myopathy 2; Ullrich congenital muscular dystrophy 2. Last evaluated: 2025-07-27. Review status: criteria provided, single submitter. Criteria: Invitae Variant Classification Sherloc (09022015). Collection method: clinical testing. Allele origin: germline.
Comment: This sequence change replaces leucine, which is neutral and non-polar, with phenylalanine, which is neutral and non-polar, at codon 368 of the COL12A1 protein (p.Leu368Phe). This variant is present in population databases (rs774361449, gnomAD 0.004%). This variant has not been reported in the literature in individuals affected with COL12A1-related conditions. ClinVar contains an entry for this variant (Variation ID: 2928013). Invitae Evidence Modeling of protein sequence and biophysical properties (such as structural, functional, and spatial information, amino acid conservation, physicochemical variation, residue mobility, and thermodynamic stability) indicates that this missense variant is not expected to disrupt COL12A1 protein function with a negative predictive value of 80%. In summary, the available evidence is currently insufficient to determine the role of this variant in disease. Therefore, it has been classified as a Variant of Uncertain Significance.